The following is an entry in ClinVar:

ClinVar aggregate classification (germline): Likely benign (1 of 4 stars; one submission).

Allele frequency attached by ClinVar (database versions not stated): gnomAD exomes below 0.00001; ExAC 0.00001.
gnomAD v4.1: 4 of 1,609,230 alleles (0.00025%); highest among the groups gnomAD compares: East Asian, 0.0022%; no homozygotes.

Submission:

CeGaT Center for Human Genetics Tuebingen
Classification: Likely benign. Last evaluated: 2022-12-01. Review status: criteria provided, single submitter. Criteria: CeGaT Center For Human Genetics Tuebingen Variant Classification Criteria Version 2. Collection method: clinical testing. Allele origin: germline. Affected: yes. Observed: 1 variant allele.
Comment: RPL34: BP4, BP7

NM_001319236.2(RPL34):c.291C>T (p.Ile97=)

Gene: RPL34 (ribosomal protein L34; plus strand). Cytogenetic location: 4q25.
Variant type: single nucleotide variant.
Coding change: c.291C>T on transcript NM_001319236.2 (MANE Select); coding-DNA position 291, C replaced by T.
Protein change: p.Ile97=; no amino-acid change (isoleucine 97 retained).
Molecular consequence: synonymous variant.
Genome position (GRCh38, 1-based): chr4:108,625,149, C>T. VCF-style: chr4-108625149-C-T. GRCh37 (hg19) VCF-style: chr4-109546305-C-T.
Other names: c.291C>T, p.Ile97= (NM_000995.5, NM_001319232.2, NM_001319234.1 and 2 more transcripts).
Identifiers: ClinVar variation 2655020 (VCV002655020.24), dbSNP rs752038538, ClinGen allele CA3038277.